The following is an entry in ClinVar:

NM_177438.3(DICER1):c.5272T>C (p.Phe1758Leu)

Gene: DICER1 (dicer 1, ribonuclease III; minus strand). Cytogenetic location: 14q32.13.
Variant type: single nucleotide variant.
Coding change: c.5272T>C on transcript NM_177438.3 (MANE Select); coding-DNA position 5272, T replaced by C.
Protein change: p.Phe1758Leu; replaces phenylalanine 1758 with leucine.
Molecular consequence: missense variant. On other transcripts: non-coding transcript variant (6).
Genome position (GRCh38, 1-based): chr14:95,093,980, A>G on the plus strand (T>C on the coding strand, the complement: DICER1 is on the minus strand). VCF-style: chr14-95093980-A-G. GRCh37 (hg19) VCF-style: chr14-95560317-A-G.
Other names: c.5272T>C, p.Phe1758Leu (NM_001195573.1, NM_001271282.3, NM_001291628.2 and 9 more transcripts); c.4990T>C, p.Phe1664Leu (NM_001395686.1); c.4867T>C, p.Phe1623Leu (NM_001395687.1, NM_001395688.1, NM_001395689.1 and 1 more transcripts); c.4705T>C, p.Phe1569Leu (NM_001395691.1); c.3589T>C, p.Phe1197Leu (NM_001395697.1); short protein forms F1758L, F1569L, F1197L, F1664L, F1623L.
Identifiers: ClinVar variation 3001903 (VCV003001903.4), dbSNP rs2542440629, ClinGen allele CA390865065.

ClinVar aggregate classification (germline): Uncertain significance. Review status: criteria provided, multiple submitters, no conflicts (2 of 4 stars). 2 submissions from 2 submitters: Uncertain significance (2). Last evaluated 2025-11-05.

Conditions:
DICER1-related tumor predisposition. Also called: DICER1 syndrome; DICER1-related pleuropulmonary blastoma cancer predisposition syndrome. Identifiers: Orphanet 284343, MedGen C3839822, MONDO:0100216.

Submissions (2):

Labcorp Genetics (formerly Invitae), Labcorp
Classification: Uncertain significance for DICER1-related tumor predisposition. Last evaluated: 2025-11-05. Review status: criteria provided, single submitter. Criteria: Invitae Variant Classification Sherloc (09022015). Collection method: clinical testing. Allele origin: germline.
Comment: This sequence change replaces phenylalanine, which is neutral and non-polar, with leucine, which is neutral and non-polar, at codon 1758 of the DICER1 protein (p.Phe1758Leu). This variant is not present in population databases (gnomAD no frequency). This variant has not been reported in the literature in individuals affected with DICER1-related conditions. ClinVar contains an entry for this variant (Variation ID: 3001903). Invitae Evidence Modeling of protein sequence and biophysical properties (such as structural, functional, and spatial information, amino acid conservation, physicochemical variation, residue mobility, and thermodynamic stability) has been performed for this missense variant. However, the output from this modeling did not meet the statistical confidence thresholds required to predict the impact of this variant on DICER1 protein function. In summary, the available evidence is currently insufficient to determine the role of this variant in disease. Therefore, it has been classified as a Variant of Uncertain Significance.

Blueprint Genetics
Classification: Uncertain significance. Last evaluated: 2019-04-12. Review status: criteria provided, single submitter. Criteria: ACMG Guidelines, 2015. Collection method: clinical testing. Allele origin: germline.